The following is an entry in ClinVar:

ClinVar aggregate classification (germline): Uncertain significance. Review status: reviewed by expert panel (3 of 4 stars). 2 submissions from 2 submitters: Uncertain significance (1). 1 of the submissions does not count toward it. Last evaluated 2024-05-02.

Conditions:
Glanzmann thrombasthenia. Also called: BLEEDING DISORDER, PLATELET-TYPE, 2; THROMBASTHENIA OF GLANZMANN AND NAEGELI; Thrombasthenia; PLATELET GLYCOPROTEIN IIb-IIIa DEFICIENCY; Glanzmann's thrombasthenia. Identifiers: Orphanet 849, MedGen C0040015, MONDO:0100326.

Submissions (2):

ClinGen Platelet Disorders Variant Curation Expert Panel, ClinGen
Classification: Uncertain significance for Glanzmann thrombasthenia. Last evaluated: 2024-05-02. Review status: reviewed by expert panel. Criteria: ClinGen Platelet ACMG Specifications v2-1. Collection method: curation. Allele origin: germline. Inheritance: Autosomal recessive inheritance.
Comment: The c.1005_1013del variant is predicted to cause a change in the length of the protein due to an in-frame deletion of 4 amino acids and insertion of 1 amino acid in a non-repeat region (p.His335_Leu338delinsGln) (PM4). There has been one case of Glanzmann Thrombasthenia associated with this variant reported in the literature. GT patient TGP0218 (PMID: 31064749) is homozygous for this variant 0.5pt (PM3_supporting). Information about the phenotypes of this patient were insufficient to meet group criteria (PP4 not met). This variant was not present in the GT database or the HGMD database. This variant is absent from gnomAD v4.0.0 (PM2_Supporting). In summary, this variant meets the criteria to be classified as variant of unknown significance due to insufficient evidence for autosomal recessive Glanzmann Thrombasthenia based on the ACMG/AMP criteria applied, as specified by the ClinGen PD VCEP: PM4, PM2_supporting, PM3_supporting. (VCEP specifications version 2; date of approval 05/02/2024)

NIHR Bioresource Rare Diseases, University of Cambridge
Classification: Likely pathogenic for Glanzmann thrombasthenia 1. Last evaluated: 2019-02-01. Review status: criteria provided, single submitter. Criteria: ACMG Guidelines, 2015. Collection method: research. Allele origin: unknown. Affected: yes. Observed: 1 homozygote. Study: ThromboGenomics. Not counted in ClinVar's aggregate classification.

Literature cited by the submitters: PubMed 31064749 (cited by NIHR Bioresource Rare Diseases, University of Cambridge).

NM_000419.5(ITGA2B):c.1005_1013del (p.His335_Leu338delinsGln)

Gene: ITGA2B (integrin subunit alpha 2b; minus strand). Cytogenetic location: 17q21.31.
Variant type: Deletion.
Coding change: c.1005_1013del on transcript NM_000419.5 (MANE Select); coding-DNA positions 1005 to 1013, 9 bases deleted (TGATCTGCT; older notation c.1005_1013delTGATCTGCT).
Protein change: p.His335_Leu338delinsGln.
Molecular consequence: inframe indel.
Genome position (GRCh38, 1-based): chr17:44,383,690-44,383,698, AGCAGATCA deleted on the plus strand (TGATCTGCT on the coding strand, the reverse complement: ITGA2B is on the minus strand). VCF-style (leftmost placement, unchanged base first): chr17-44383689-CAGCAGATCA-C. GRCh37 (hg19) VCF-style: chr17-42461057-CAGCAGATCA-C.
Other names: NM_000419.5(ITGA2B):c.1005_1013del; p.His335_Leu338delinsGln; c.1005_1013del (LRG_479t1).
Identifiers: ClinVar variation 626948 (VCV000626948.3), dbSNP rs1598381654, ClinGen allele CA915940786.